The following is an entry in ClinVar:

NM_000551.4(VHL):c.484T>C (p.Cys162Arg)

Genes: VHL (von Hippel-Lindau tumor suppressor; plus strand), LOC107303340 (3p25 von Hippel-Lindau tumor suppressor, E3 ubiquitin protein ligase Alu-mediated recombination region; plus strand). Cytogenetic location: 3p25.3.
Variant type: single nucleotide variant.
Coding change: c.484T>C on transcript NM_000551.4 (MANE Select); coding-DNA position 484, T replaced by C.
Protein change: p.Cys162Arg; replaces cysteine 162 with arginine.
Molecular consequence: missense variant. On other transcripts: 3 prime UTR variant (1).
Genome position (GRCh38, 1-based): chr3:10,149,807, T>C. VCF-style: chr3-10149807-T-C. GRCh37 (hg19) VCF-style: chr3-10191491-T-C.
Other names: c.*38T>C (NM_001354723.2); c.361T>C, p.Cys121Arg (NM_198156.3); short protein forms C162R, C121R.
Identifiers: ClinVar variation 496067 (VCV000496067.12), dbSNP rs1553620313, ClinGen allele CA351756117.

ClinVar aggregate classification (germline): Pathogenic. Review status: criteria provided, multiple submitters, no conflicts (2 of 4 stars). 3 submissions from 3 submitters: Pathogenic (3). Last evaluated 2025-12-02.

Conditions:
Chuvash polycythemia. Also called: POLYCYTHEMIA, VHL-DEPENDENT. Identifiers: Orphanet 238557, MedGen C1837915, MONDO:0009892, OMIM 263400.
Von Hippel-Lindau syndrome (VHLS). Also called: VHL syndrome; Von Hippel-Lindau; von Hippel–Lindau syndrome. Identifiers: Orphanet 892, MedGen C0019562, MONDO:0008667, OMIM 193300. Disease mechanism: loss of function.

Submissions (3):

Labcorp Genetics (formerly Invitae), Labcorp
Classification: Pathogenic for Von Hippel-Lindau syndrome; Chuvash polycythemia. Last evaluated: 2025-12-02. Review status: criteria provided, single submitter. Criteria: Invitae Variant Classification Sherloc (09022015). Collection method: clinical testing. Allele origin: germline.
Comment: This sequence change replaces cysteine, which is neutral and slightly polar, with arginine, which is basic and polar, at codon 162 of the VHL protein (p.Cys162Arg). This variant is not present in population databases (gnomAD no frequency). This missense change has been observed in individuals with von Hippel-Lindau syndrome (PMID: 7728151, 8634692, 8641976, 8956040, 9681856). This variant is also known as c.697T>C (p.Cys233Arg). ClinVar contains an entry for this variant (Variation ID: 496067). Invitae Evidence Modeling of protein sequence and biophysical properties (such as structural, functional, and spatial information, amino acid conservation, physicochemical variation, residue mobility, and thermodynamic stability) indicates that this missense variant is expected to disrupt VHL protein function with a positive predictive value of 95%. Experimental studies have shown that this missense change affects VHL function (PMID: 28052007). This variant disrupts the p.Cys162 amino acid residue in VHL. Other variant(s) that disrupt this residue have been determined to be pathogenic (PMID: 9829912, 17350623, 19270817, 25867206; internal data). This suggests that this residue is clinically significant, and that variants that disrupt this residue are likely to be disease-causing. For these reasons, this variant has been classified as Pathogenic.

Genomic Diagnostic Laboratory, Division of Genomic Diagnostics, Children's Hospital of Philadelphia
Classification: Pathogenic for von Hippel-Lindau syndrome. Last evaluated: 2018-08-01. Review status: criteria provided, single submitter. Criteria: DGD Variant Analysis Guidelines. Collection method: clinical testing. Allele origin: germline. Affected: yes. Observed: 2 variant alleles.

Women's Health and Genetics/Laboratory Corporation of America, LabCorp
Classification: Pathogenic for Von Hippel-Lindau syndrome. Last evaluated: 2016-08-31. Review status: criteria provided, single submitter. Criteria: LabCorp Variant Classification Summary - May 2015. Collection method: clinical testing. Allele origin: germline.
Comment: Variant summary: The c.484C>T (p.Cys162Arg) in VHL gene is a missense change that involves a non-conserved nucleotide and 5/5 in silico tools predict deleterious outcome. The variant of interest is located within the elongin binding domain, and mutations in this region have been found in multiple VHL patients. The variant is absent from the control population dataset of ExAC but has been reported in multiple affected individuals from VHL families and was proven to segregate with the disease. In addition, codon Cy162 appears to be a hotspot, since other alterations of this codon, p.C162W, p.C162Y and p.C162F, were found in multiple VHL pts. Taking together, the variant was classified as Pathogenic.

Literature cited by the submitters: PubMed 7728151 (cited by Labcorp Genetics (formerly Invitae), Labcorp and Women's Health and Genetics/Laboratory Corporation of America, LabCorp); PubMed 8634692 (cited by Labcorp Genetics (formerly Invitae), Labcorp); PubMed 8641976 (cited by Labcorp Genetics (formerly Invitae), Labcorp and Women's Health and Genetics/Laboratory Corporation of America, LabCorp); PubMed 8956040 (cited by Labcorp Genetics (formerly Invitae), Labcorp and Women's Health and Genetics/Laboratory Corporation of America, LabCorp); PubMed 9681856 (cited by Labcorp Genetics (formerly Invitae), Labcorp); PubMed 28052007 (cited by Labcorp Genetics (formerly Invitae), Labcorp); PubMed 9829912 (cited by Labcorp Genetics (formerly Invitae), Labcorp); PubMed 17350623 (cited by Labcorp Genetics (formerly Invitae), Labcorp); PubMed 19270817 (cited by Labcorp Genetics (formerly Invitae), Labcorp and Women's Health and Genetics/Laboratory Corporation of America, LabCorp); PubMed 25867206 (cited by Labcorp Genetics (formerly Invitae), Labcorp); PubMed 24446253 (cited by Women's Health and Genetics/Laboratory Corporation of America, LabCorp); PubMed 10761708 (cited by Women's Health and Genetics/Laboratory Corporation of America, LabCorp); PubMed 11536052 (cited by Women's Health and Genetics/Laboratory Corporation of America, LabCorp).